The following is an entry in ClinVar:

ClinVar aggregate classification (germline): Benign/Likely benign. Review status: criteria provided, multiple submitters, no conflicts (2 of 4 stars). 5 submissions from 5 submitters: Benign (3); Likely benign (2). Last evaluated 2026-01-21.

Conditions:
Hyperlipidemia due to hepatic triglyceride lipase deficiency. Also called: LIPC DEFICIENCY. Identifiers: Orphanet 140905, MedGen C3151466, MONDO:0013533, OMIM 614025.

Allele frequency attached by ClinVar (database versions not stated): gnomAD exomes 0.00293; ExAC 0.00362; gnomAD 0.01139 and 0.01209; ESP Exome Variant Server 0.01211; TOPMed 0.01297; 1000 Genomes Project 0.01378; 1000 Genomes Project 30x 0.01686.
gnomAD v4.1: 3,383 of 1,614,022 alleles (0.21%); highest among the groups gnomAD compares: African/African-American, 3.9%; 49 homozygotes.

Submissions (5):

Labcorp Genetics (formerly Invitae), Labcorp
Classification: Benign. Last evaluated: 2026-01-21. Review status: criteria provided, single submitter. Criteria: Invitae Variant Classification Sherloc (09022015). Collection method: clinical testing. Allele origin: germline.

CeGaT Center for Human Genetics Tuebingen
Classification: Benign. Last evaluated: 2024-09-01. Review status: criteria provided, single submitter. Criteria: CeGaT Center For Human Genetics Tuebingen Variant Classification Criteria Version 2. Collection method: clinical testing. Allele origin: germline. Affected: yes. Observed: 1 variant allele.
Comment: LIPC: BP4, BP7, BS1, BS2

GeneDx
Classification: Likely benign. Last evaluated: 2021-01-07. Review status: criteria provided, single submitter. Criteria: GeneDx Variant Classification Process June 2021. Collection method: clinical testing. Allele origin: germline. Affected: yes.

Illumina Laboratory Services, Illumina
Classification: Benign for Hyperlipidemia due to hepatic triglyceride lipase deficiency. Last evaluated: 2018-01-12. Review status: criteria provided, single submitter. Criteria: ICSL Variant Classification Criteria 13 December 2019. Collection method: clinical testing. Allele origin: germline.
Comment: This variant was observed in the ICSL laboratory as part of a predisposition screen in an ostensibly healthy population. It had not been previously curated by ICSL or reported in the Human Gene Mutation Database (HGMD: prior to June 1st, 2018), and was therefore a candidate for classification through an automated scoring system. Utilizing variant allele frequency, disease prevalence and penetrance estimates, and inheritance mode, an automated score was calculated to assess if this variant is too frequent to cause the disease. Based on the score and internal cut-off values, a variant classified as benign is not then subjected to further curation. The score for this variant resulted in a classification of benign for this disease.

Breakthrough Genomics
Classification: Likely benign. Review status: criteria provided, single submitter. Criteria: ACMG Guidelines, 2015. Collection method: not provided. Allele origin: germline. Inheritance: Autosomal recessive inheritance. Affected: yes.

NM_000236.3(LIPC):c.264C>T (p.His88=)

Gene: LIPC (lipase C, hepatic type; plus strand). Cytogenetic location: 15q21.3.
Variant type: single nucleotide variant.
Coding change: c.264C>T on transcript NM_000236.3 (MANE Select); coding-DNA position 264, C replaced by T.
Protein change: p.His88=; no amino-acid change (histidine 88 retained).
Molecular consequence: synonymous variant.
Genome position (GRCh38, 1-based): chr15:58,538,508, C>T. VCF-style: chr15-58538508-C-T. GRCh37 (hg19) VCF-style: chr15-58830707-C-T.
Identifiers: ClinVar variation 316655 (VCV000316655.30), dbSNP rs7175412, ClinGen allele CA7584763.